The following is an entry in ClinVar:

NM_144773.4(PROKR2):c.379C>T (p.Leu127Phe)

Gene: PROKR2 (prokineticin receptor 2; minus strand). Cytogenetic location: 20p12.3.
Variant type: single nucleotide variant.
Coding change: c.379C>T on transcript NM_144773.4 (MANE Select); coding-DNA position 379, C replaced by T.
Protein change: p.Leu127Phe; replaces leucine 127 with phenylalanine.
Molecular consequence: missense variant.
Genome position (GRCh38, 1-based): chr20:5,313,991, G>A on the plus strand (C>T on the coding strand, the complement: PROKR2 is on the minus strand). VCF-style: chr20-5313991-G-A. GRCh37 (hg19) VCF-style: chr20-5294637-G-A.
Other names: short protein forms L127F.
Identifiers: ClinVar variation 2859137 (VCV002859137.3), dbSNP rs2515240768, ClinGen allele CA408167813.

ClinVar aggregate classification (germline): Uncertain significance (1 of 4 stars; one submission).

Submission:

Labcorp Genetics (formerly Invitae), Labcorp
Classification: Uncertain significance. Last evaluated: 2023-04-25. Review status: criteria provided, single submitter. Criteria: Invitae Variant Classification Sherloc (09022015). Collection method: clinical testing. Allele origin: germline.
Comment: In summary, the available evidence is currently insufficient to determine the role of this variant in disease. Therefore, it has been classified as a Variant of Uncertain Significance. Advanced modeling of protein sequence and biophysical properties (such as structural, functional, and spatial information, amino acid conservation, physicochemical variation, residue mobility, and thermodynamic stability) performed at Invitae indicates that this missense variant is not expected to disrupt PROKR2 protein function. This variant has not been reported in the literature in individuals affected with PROKR2-related conditions. This variant is not present in population databases (gnomAD no frequency). This sequence change replaces leucine, which is neutral and non-polar, with phenylalanine, which is neutral and non-polar, at codon 127 of the PROKR2 protein (p.Leu127Phe).